The following is an entry in ClinVar:

ClinVar aggregate classification (germline): Benign/Likely benign. Review status: criteria provided, multiple submitters, no conflicts (2 of 4 stars). 4 submissions from 4 submitters: Benign (1); Likely benign (3). Last evaluated 2025-03-07.

Conditions:
Hereditary cancer-predisposing syndrome. Also called: Hereditary neoplastic syndrome; Tumor predisposition; Neoplastic Syndromes, Hereditary; Hereditary Cancer Syndrome. Identifiers: Orphanet 140162, MedGen C0027672, MeSH D009386, MONDO:0015356.
Familial cancer of breast. Also called: Hereditary breast cancer; BREAST CANCER, FAMILIAL; hereditary breast carcinoma. Identifiers: Orphanet 227535, MedGen C0346153, MONDO:0016419, OMIM 114480. Disease mechanism: loss of function.
Fanconi anemia complementation group J. Also called: BRIP1-Related Fanconi Anemia. Identifiers: Orphanet 84, MedGen C1836860, MONDO:0012187, OMIM 609054.

Allele frequency attached by ClinVar (database versions not stated): gnomAD exomes below 0.00001 and 0.00001.
gnomAD v4.1: 3 of 1,614,052 alleles (0.00019%); highest among the groups gnomAD compares: Non-Finnish European, 0.00025%; no homozygotes.

Submissions (4):

Quest Diagnostics Nichols Institute San Juan Capistrano
Classification: Likely benign. Last evaluated: 2025-03-07. Review status: criteria provided, single submitter. Criteria: Quest Diagnostics criteria. Collection method: clinical testing. Allele origin: unknown.

Myriad Genetics, Inc.
Classification: Benign for Familial cancer of breast. Last evaluated: 2024-09-10. Review status: criteria provided, single submitter. Criteria: Myriad Autosomal Dominant, Autosomal Recessive and X-Linked Classification Criteria (2023). Collection method: clinical testing. Allele origin: unknown.
Comment: This variant is considered benign. This variant is a silent/synonymous amino acid change and it is not expected to impact splicing.

Labcorp Genetics (formerly Invitae), Labcorp
Classification: Likely benign for Familial cancer of breast; Fanconi anemia complementation group J. Last evaluated: 2024-01-11. Review status: criteria provided, single submitter. Criteria: Invitae Variant Classification Sherloc (09022015). Collection method: clinical testing. Allele origin: germline.

Ambry Genetics
Classification: Likely benign for Hereditary cancer-predisposing syndrome. Last evaluated: 2023-03-18. Review status: criteria provided, single submitter. Criteria: Ambry Variant Classification Scheme 2023. Collection method: clinical testing. Allele origin: germline.

NM_032043.3(BRIP1):c.3306C>T (p.Asp1102=)

Gene: BRIP1 (BRCA1 interacting DNA helicase 1; minus strand). Cytogenetic location: 17q23.2.
Variant type: single nucleotide variant.
Coding change: c.3306C>T on transcript NM_032043.3 (MANE Select); coding-DNA position 3306, C replaced by T.
Protein change: p.Asp1102=; no amino-acid change (aspartic acid 1102 retained).
Molecular consequence: synonymous variant.
Genome position (GRCh38, 1-based): chr17:61,683,740, G>A on the plus strand (C>T on the coding strand, the complement: BRIP1 is on the minus strand). VCF-style: chr17-61683740-G-A. GRCh37 (hg19) VCF-style: chr17-59761101-G-A.
Other names: c.3306C>T (NM_032043.2).
Identifiers: ClinVar variation 1145043 (VCV001145043.13), dbSNP rs1220971956, ClinGen allele CA501335166.
Genomic context (GRCh38, chr17:61,683,740, plus strand): 5'-TTCAAAATCTCTATTTGAAGTGGACTGTTTATCTTCTTCACTTACTAGAGACAATTCAAT[G>A]TCTGGATCCAGGGCTTCTTCAGAACAGAGCGGATGTTCAGAATGATTTTTTCTAGTAAGG-3'
Protein context (NP_114432.2, residues 1092-1112): PLCSEEALDP[Asp1102=]IELSLVSEED